The following is an entry in ClinVar:

NM_001690.4(ATP6V1A):c.954G>A (p.Met318Ile)

Gene: ATP6V1A (ATPase H+ transporting V1 subunit A; plus strand). Cytogenetic location: 3q13.31.
Variant type: single nucleotide variant.
Coding change: c.954G>A on transcript NM_001690.4 (MANE Select); coding-DNA position 954, G replaced by A.
Protein change: p.Met318Ile; replaces methionine 318 with isoleucine.
Molecular consequence: missense variant.
Genome position (GRCh38, 1-based): chr3:113,789,806, G>A. VCF-style: chr3-113789806-G-A. GRCh37 (hg19) VCF-style: chr3-113508653-G-A.
Other names: short protein forms M318I.
Identifiers: ClinVar variation 1802126 (VCV001802126.1), dbSNP rs2549722082, ClinGen allele CA354015801.

ClinVar aggregate classification (germline): Pathogenic (1 of 4 stars; one submission).

Submission:

GeneDx
Classification: Pathogenic. Last evaluated: 2022-12-02. Review status: criteria provided, single submitter. Criteria: GeneDx Variant Classification Process June 2021. Collection method: clinical testing. Allele origin: germline. Affected: yes.
Comment: Not observed in large population cohorts (gnomAD); In silico analysis supports that this missense variant has a deleterious effect on protein structure/function; Has not been previously published as pathogenic or benign to our knowledge